The following is an entry in ClinVar:

NM_014915.3(ANKRD26):c.4334A>G (p.Glu1445Gly)

Gene: ANKRD26 (ankyrin repeat domain containing 26; minus strand). Cytogenetic location: 10p12.1.
Variant type: single nucleotide variant.
Coding change: c.4334A>G on transcript NM_014915.3 (MANE Select); coding-DNA position 4334, A replaced by G.
Protein change: p.Glu1445Gly; replaces glutamic acid 1445 with glycine.
Molecular consequence: missense variant.
Genome position (GRCh38, 1-based): chr10:27,017,674, T>C on the plus strand (A>G on the coding strand, the complement: ANKRD26 is on the minus strand). VCF-style: chr10-27017674-T-C. GRCh37 (hg19) VCF-style: chr10-27306603-T-C.
Other names: c.4331A>G, p.Glu1444Gly (NM_001256053.2); short protein forms E1444G, E1445G.
Identifiers: ClinVar variation 3252440 (VCV003252440.2), dbSNP rs746685771.

ClinVar aggregate classification (germline): Uncertain significance. Review status: criteria provided, multiple submitters, no conflicts (2 of 4 stars). 2 submissions from 2 submitters: Uncertain significance (2). Last evaluated 2025-02-21.

Conditions:
Inborn genetic diseases. Identifiers: MedGen C0950123, MeSH D030342.

Allele frequency attached by ClinVar (database versions not stated): ExAC 0.00001.
gnomAD v4.1: 5 of 1,613,556 alleles (0.00031%); highest among the groups gnomAD compares: East Asian, 0.0022%; no homozygotes.

Submissions (2):

Ambry Genetics
Classification: Uncertain significance for Inborn genetic diseases. Last evaluated: 2025-02-21. Review status: criteria provided, single submitter. Criteria: Ambry Variant Classification Scheme 2023. Collection method: clinical testing. Allele origin: germline.
Comment: The p.E1445G variant (also known as c.4334A>G), located in coding exon 30 of the ANKRD26 gene, results from an A to G substitution at nucleotide position 4334. The glutamic acid at codon 1445 is replaced by glycine, an amino acid with similar properties. This amino acid position is conserved. In addition, this alteration is predicted to be tolerated by in silico analysis. Based on the available evidence, the clinical significance of this variant remains unclear.

GeneDx
Classification: Uncertain significance. Last evaluated: 2023-08-08. Review status: criteria provided, single submitter. Criteria: GeneDx Variant Classification Process June 2021. Collection method: clinical testing. Allele origin: germline. Affected: yes.
Comment: Not observed at significant frequency in large population cohorts (gnomAD); In silico analysis supports that this missense variant has a deleterious effect on protein structure/function; Has not been previously published as pathogenic or benign to our knowledge